The following is an entry in ClinVar:

NM_000051.4(ATM):c.7877C>G (p.Ala2626Gly)

Genes: ATM (ATM serine/threonine kinase; plus strand), C11orf65 (chromosome 11 open reading frame 65; minus strand). Cytogenetic location: 11q22.3.
Variant type: single nucleotide variant.
Coding change: c.7877C>G on transcript NM_000051.4 (MANE Select); coding-DNA position 7877, C replaced by G.
Protein change: p.Ala2626Gly; replaces alanine 2626 with glycine.
Molecular consequence: missense variant. On other transcripts: intron variant (2).
Genome position (GRCh38, 1-based): chr11:108,332,850, C>G. VCF-style: chr11-108332850-C-G. GRCh37 (hg19) VCF-style: chr11-108203577-C-G.
Other names: c.7877C>G, p.Ala2626Gly (NM_001351834.2); c.641-23779G>C (NM_001330368.2); c.*38+2370G>C (NM_001351110.2); short protein forms A2626G.
Identifiers: ClinVar variation 2807738 (VCV002807738.3), dbSNP rs1555125394, ClinGen allele CA382561426.

ClinVar aggregate classification (germline): Uncertain significance (1 of 4 stars; one submission).

Conditions:
Ataxia-telangiectasia syndrome (AT). Also called: LOUIS-BAR SYNDROME; Cerebello-oculocutaneous telangiectasia; Immunodeficiency with ataxia telangiectasia; Ataxia telangiectasia (A-T); Ataxia-telangiectasia, complementation group D; AT, COMPLEMENTATION GROUP C. Identifiers: Orphanet 100, MedGen C0004135, MONDO:0008840, OMIM 208900.

gnomAD v4.1: 1 of 1,612,976 alleles (0.000062%); no homozygotes.

Submission:

Labcorp Genetics (formerly Invitae), Labcorp
Classification: Uncertain significance for Ataxia-telangiectasia syndrome. Last evaluated: 2024-02-01. Review status: criteria provided, single submitter. Criteria: Invitae Variant Classification Sherloc (09022015). Collection method: clinical testing. Allele origin: germline.
Comment: This sequence change replaces alanine, which is neutral and non-polar, with glycine, which is neutral and non-polar, at codon 2626 of the ATM protein (p.Ala2626Gly). This variant is not present in population databases (gnomAD no frequency). This variant has not been reported in the literature in individuals affected with ATM-related conditions. An algorithm developed to predict the effect of missense changes on protein structure and function (PolyPhen-2) suggests that this variant is likely to be disruptive. In summary, the available evidence is currently insufficient to determine the role of this variant in disease. Therefore, it has been classified as a Variant of Uncertain Significance.